The following is an entry in ClinVar:

NM_005546.4(ITK):c.450G>C (p.Lys150Asn)

Gene: ITK (IL2 inducible T cell kinase; plus strand). Cytogenetic location: 5q33.3.
Variant type: single nucleotide variant.
Coding change: c.450G>C on transcript NM_005546.4 (MANE Select); coding-DNA position 450, G replaced by C.
Protein change: p.Lys150Asn; replaces lysine 150 with asparagine.
Molecular consequence: missense variant.
Genome position (GRCh38, 1-based): chr5:157,214,315, G>C. VCF-style: chr5-157214315-G-C. GRCh37 (hg19) VCF-style: chr5-156641326-G-C.
Other names: short protein forms K150N.
Identifiers: ClinVar variation 1039448 (VCV001039448.6), dbSNP rs755833813, ClinGen allele CA3532746.

ClinVar aggregate classification (germline): Uncertain significance (1 of 4 stars; one submission).

Conditions:
Lymphoproliferative syndrome 1 (LPFS1). Identifiers: Orphanet 238505, Orphanet 538963, MedGen C3552634, MONDO:0013081, OMIM 613011.

Allele frequency attached by ClinVar (database versions not stated): ExAC 0.00001; gnomAD exomes 0.00001; TOPMed 0.00002.
gnomAD v4.1: 9 of 1,613,298 alleles (0.00056%); highest among the groups gnomAD compares: Admixed American, 0.0033%; no homozygotes.

Submission:

Labcorp Genetics (formerly Invitae), Labcorp
Classification: Uncertain significance for Lymphoproliferative syndrome 1. Last evaluated: 2023-10-05. Review status: criteria provided, single submitter. Criteria: Invitae Variant Classification Sherloc (09022015). Collection method: clinical testing. Allele origin: germline.
Comment: This sequence change replaces lysine, which is basic and polar, with asparagine, which is neutral and polar, at codon 150 of the ITK protein (p.Lys150Asn). This variant is present in population databases (rs755833813, gnomAD 0.006%). This variant has not been reported in the literature in individuals affected with ITK-related conditions. ClinVar contains an entry for this variant (Variation ID: 1039448). Advanced modeling of protein sequence and biophysical properties (such as structural, functional, and spatial information, amino acid conservation, physicochemical variation, residue mobility, and thermodynamic stability) performed at Invitae indicates that this missense variant is not expected to disrupt ITK protein function. In summary, the available evidence is currently insufficient to determine the role of this variant in disease. Therefore, it has been classified as a Variant of Uncertain Significance.